The following is an entry in ClinVar:

NM_031407.7(HUWE1):c.12895T>C (p.Phe4299Leu)

Gene: HUWE1 (HECT, UBA and WWE domain containing E3 ubiquitin protein ligase 1; minus strand). Cytogenetic location: Xp11.22.
Variant type: single nucleotide variant.
Coding change: c.12895T>C on transcript NM_031407.7 (MANE Select); coding-DNA position 12895, T replaced by C.
Protein change: p.Phe4299Leu; replaces phenylalanine 4299 with leucine.
Molecular consequence: missense variant.
Genome position (GRCh38, 1-based): chrX:53,534,134, A>G on the plus strand (T>C on the coding strand, the complement: HUWE1 is on the minus strand). VCF-style: chrX-53534134-A-G. GRCh37 (hg19) VCF-style: chrX-53561095-A-G.
Other names: short protein forms F4299L.
Identifiers: ClinVar variation 451359 (VCV000451359.2), dbSNP rs1556909363, ClinGen allele CA413144769.
Genomic context (GRCh38, chrX:53,534,134, plus strand): 5'-CATTCATGCCTTCGAGGGCAGCAAAGCCTTGCAGGGGTACCTTGGAAGTACCTGTGACAA[A>G]CTGGAGGAACTTGGCACGGTCAGCTTGATCGAAAGAACGCAATGCTCTCCAGAACCACTG-3'
Protein context (NP_113584.3, residues 4289-4309): DQADRAKFLQ[Phe4299Leu]VTGTSKVPLQ

ClinVar aggregate classification (germline): Uncertain significance (1 of 4 stars; one submission).

Submission:

GeneDx
Classification: Uncertain significance. Last evaluated: 2017-08-25. Review status: criteria provided, single submitter. Criteria: GeneDx Variant Classification (06012015). Collection method: clinical testing. Allele origin: germline. Affected: yes.
Comment: The F4299L variant in the HUWE1 gene has not been reported previously as a pathogenic variant, nor as a benign variant, to our knowledge. The F4299L variant is not observed in large population cohorts (Lek et al., 2016; 1000 Genomes Consortium et al., 2015; Exome Variant Server). The F4299L variant is a conservative amino acid substitution, which is not likely to impact secondary protein structure as these residues share similar properties. This substitution occurs at a position that is conserved across species. In silico analysis predicts this variant is probably damaging to the protein structure/function. We interpret F4299L as a variant of uncertain significance.